The following is an entry in ClinVar:

ClinVar aggregate classification (germline): Benign/Likely benign. Review status: criteria provided, multiple submitters, no conflicts (2 of 4 stars). 8 submissions from 8 submitters: Benign (5); Likely benign (1). 2 of the submissions do not count toward it. Last evaluated 2024-11-06.

Conditions:
Huntington disease-like 1 (HDL1). Also called: HUNTINGTON-LIKE NEURODEGENERATIVE DISORDER 1; HUNTINGTON-LIKE NEURODEGENERATIVE DISORDER, AUTOSOMAL DOMINANT; PRION DISEASE, EARLY-ONSET, WITH PROMINENT PSYCHIATRIC FEATURES. Identifiers: Orphanet 157941, MedGen C1864112, MONDO:0011299, OMIM 603218.
Inherited prion disease. Identifiers: Orphanet 280400, MedGen C5679775, MONDO:0017234.

Allele frequency attached by ClinVar (database versions not stated): gnomAD exomes 0.00078 and 0.00082; ExAC 0.00092; gnomAD 0.00252 and 0.00260; 1000 Genomes Project 0.00659.
gnomAD v4.1: 1,609 of 1,606,432 alleles (0.1%); highest among the groups gnomAD compares: African/African-American, 0.57%; 6 homozygotes.

Submissions (8):

Blueprint Genetics
Classification: Likely benign. Last evaluated: 2024-11-06. Review status: criteria provided, single submitter. Criteria: ACMG Guidelines, 2015. Collection method: clinical testing. Allele origin: germline.

ARUP Laboratories, Molecular Genetics and Genomics, ARUP Laboratories
Classification: Benign. Last evaluated: 2024-10-15. Review status: criteria provided, single submitter. Criteria: ARUP Molecular Germline Variant Investigation Process 2024. Collection method: clinical testing. Allele origin: germline.

Labcorp Genetics (formerly Invitae), Labcorp
Classification: Benign for Huntington disease-like 1. Last evaluated: 2024-05-20. Review status: criteria provided, single submitter. Criteria: Invitae Variant Classification Sherloc (09022015). Collection method: clinical testing. Allele origin: germline.

GeneDx
Classification: Benign. Last evaluated: 2021-10-25. Review status: criteria provided, single submitter. Criteria: GeneDx Variant Classification Process June 2021. Collection method: clinical testing. Allele origin: germline. Affected: yes.

Illumina Laboratory Services, Illumina
Classification: Benign for Genetic prion diseases. Last evaluated: 2018-01-12. Review status: criteria provided, single submitter. Criteria: ICSL Variant Classification Criteria 13 December 2019. Collection method: clinical testing. Allele origin: germline.
Comment: This variant was observed in the ICSL laboratory as part of a predisposition screen in an ostensibly healthy population. It had not been previously curated by ICSL or reported in the Human Gene Mutation Database (HGMD: prior to June 1st, 2018), and was therefore a candidate for classification through an automated scoring system. Utilizing variant allele frequency, disease prevalence and penetrance estimates, and inheritance mode, an automated score was calculated to assess if this variant is too frequent to cause the disease. Based on the score and internal cut-off values, a variant classified as benign is not then subjected to further curation. The score for this variant resulted in a classification of benign for this disease.

Breakthrough Genomics
Classification: Benign. Review status: criteria provided, single submitter. Criteria: ACMG Guidelines, 2015. Collection method: not provided. Allele origin: germline. Inheritance: Other. Affected: yes.

Clinical Genetics DNA and cytogenetics Diagnostics Lab, Erasmus MC, Erasmus Medical Center
Classification: Likely benign. Review status: no assertion criteria provided. Collection method: clinical testing. Allele origin: germline. Affected: yes. Study: VKGL Data-share Consensus. Not counted in ClinVar's aggregate classification.

Genome Diagnostics Laboratory, Amsterdam University Medical Center
Classification: Likely benign. Review status: no assertion criteria provided. Collection method: clinical testing. Allele origin: germline. Affected: yes. Study: VKGL Data-share Consensus. Not counted in ClinVar's aggregate classification.

NM_000311.5(PRNP):c.204T>C (p.Pro68=)

Gene: PRNP (prion protein (Kanno blood group); plus strand). Cytogenetic location: 20p13.
Variant type: single nucleotide variant.
Coding change: c.204T>C on transcript NM_000311.5 (MANE Select); coding-DNA position 204, T replaced by C.
Protein change: p.Pro68=; no amino-acid change (proline 68 retained).
Molecular consequence: synonymous variant. On other transcripts: missense variant (1).
Genome position (GRCh38, 1-based): chr20:4,699,424, T>C. VCF-style: chr20-4699424-T-C. GRCh37 (hg19) VCF-style: chr20-4680070-T-C.
Other names: c.204T>C, p.Pro68= (NM_001080121.3, NM_001080122.3, NM_001080123.3 and 1 more transcripts); c.115T>C, p.Ser39Pro (NM_001271561.3); short protein forms S39P.
Identifiers: ClinVar variation 338647 (VCV000338647.23), dbSNP rs532493114, ClinGen allele CA9752026.
Genomic context (GRCh38, chr20:4,699,424, plus strand): 5'-CTACCCACCTCAGGGCGGTGGTGGCTGGGGGCAGCCTCATGGTGGTGGCTGGGGGCAGCC[T>C]CATGGTGGTGGCTGGGGGCAGCCCCATGGTGGTGGCTGGGGACAGCCTCATGGTGGTGGC-3'
Protein context (NP_000302.1, residues 58-78): GQPHGGGWGQ[Pro68=]HGGGWGQPHG